The following is an entry in ClinVar:

NM_001035.3(RYR2):c.9290C>T (p.Thr3097Ile)

Gene: RYR2 (ryanodine receptor 2; plus strand). Cytogenetic location: 1q43.
Variant type: single nucleotide variant.
Coding change: c.9290C>T on transcript NM_001035.3 (MANE Select); coding-DNA position 9290, C replaced by T.
Protein change: p.Thr3097Ile; replaces threonine 3097 with isoleucine.
Molecular consequence: missense variant.
Genome position (GRCh38, 1-based): chr1:237,700,390, C>T. VCF-style: chr1-237700390-C-T. GRCh37 (hg19) VCF-style: chr1-237863690-C-T.
Other names: short protein forms T3097I.
Identifiers: ClinVar variation 3071347 (VCV003071347.2), dbSNP rs1558246040, ClinGen allele CA345406093.

ClinVar aggregate classification (germline): Uncertain significance. Review status: criteria provided, multiple submitters, no conflicts (2 of 4 stars). 2 submissions from 2 submitters: Uncertain significance (2). Last evaluated 2025-10-07.

Conditions:
Cardiomyopathy (CMYO). Also called: Cardiomyopathies. Identifiers: Orphanet 167848, MedGen C0878544, MONDO:0004994, HP:0001638. Inheritance: Various modes of inheritance.
Catecholaminergic polymorphic ventricular tachycardia (CVPT). Also called: Catecholamine-induced polymorphic ventricular tachycardia. Identifiers: Orphanet 3286, MedGen C5574922, MONDO:0017990.

Allele frequency attached by ClinVar (database versions not stated): gnomAD 0.00001.

Submissions (2):

Color Diagnostics, LLC DBA Color Health
Classification: Uncertain significance for Cardiomyopathy. Last evaluated: 2025-10-07. Review status: criteria provided, single submitter. Criteria: ACMG Guidelines, 2015. Collection method: clinical testing. Allele origin: germline.
Comment: This missense variant replaces threonine with isoleucine at codon 3097 of the RYR2 protein. Computational prediction suggests that this variant may not impact protein structure and function. To our knowledge, functional studies have not been reported for this variant. This variant has not been reported in individuals affected with RYR2-related disorders in the literature. This variant has been identified in 1/152136 chromosomes in the general population by the Genome Aggregation Database (gnomAD). The available evidence is insufficient to determine the role of this variant in disease conclusively. Therefore, this variant is classified as a Variant of Uncertain Significance.

All of Us Research Program, National Institutes of Health
Classification: Uncertain significance for Catecholaminergic polymorphic ventricular tachycardia. Last evaluated: 2023-05-30. Review status: criteria provided, single submitter. Criteria: ACMG Guidelines, 2015. Collection method: clinical testing. Allele origin: germline. Inheritance: Autosomal dominant inheritance. Observed: 1 variant allele, 1 heterozygote.
Comment: This missense variant replaces threonine with isoleucine at codon 3097 of the RYR2 protein. Computational prediction suggests that this variant may not impact protein structure and function (internally defined REVEL score threshold <= 0.5, PMID: 27666373). To our knowledge, functional studies have not been reported for this variant. This variant has not been reported in individuals affected with RYR2-related disorders in the literature. This variant has been identified in 1/31380 chromosomes in the general population by the Genome Aggregation Database (gnomAD). The available evidence is insufficient to determine the role of this variant in disease conclusively. Therefore, this variant is classified as a Variant of Uncertain Significance.

This study involves interpretation of variants in research participants for the purpose of population health screening. Participant phenotype was not available at the time of variant classification. Additional details can be found in publication PMID: 35346344, PMCID: PMC8962531